The following is an entry in ClinVar:

NM_004336.5(BUB1):c.2929C>G (p.Leu977Val)

Gene: BUB1 (BUB1 mitotic checkpoint serine/threonine kinase; minus strand). Cytogenetic location: 2q13.
Variant type: single nucleotide variant.
Coding change: c.2929C>G on transcript NM_004336.5 (MANE Select); coding-DNA position 2929, C replaced by G.
Protein change: p.Leu977Val; replaces leucine 977 with valine.
Molecular consequence: missense variant.
Genome position (GRCh38, 1-based): chr2:110,641,060, G>C on the plus strand (C>G on the coding strand, the complement: BUB1 is on the minus strand). VCF-style: chr2-110641060-G-C. GRCh37 (hg19) VCF-style: chr2-111398637-G-C.
Other names: c.2869C>G, p.Leu957Val (NM_001278616.2); c.2758C>G, p.Leu920Val (NM_001278617.2); short protein forms L977V, L957V, L920V.
Identifiers: ClinVar variation 1797773 (VCV001797773.2), dbSNP rs1689488071, ClinGen allele CA348088983.

ClinVar aggregate classification (germline): Uncertain significance (1 of 4 stars; one submission).

Allele frequency attached by ClinVar (database versions not stated): gnomAD exomes below 0.00001; TOPMed 0.00001.
gnomAD v4.1: 1 of 1,596,000 alleles (0.000063%); highest among the groups gnomAD compares: African/African-American, 0.0013%; no homozygotes.

Submission:

Ambry Genetics
Classification: Uncertain significance. Last evaluated: 2023-09-18. Review status: criteria provided, single submitter. Criteria: Ambry Variant Classification Scheme 2023. Collection method: clinical testing. Allele origin: germline.
Comment: The p.L977V variant (also known as c.2929C>G), located in coding exon 23 of the BUB1 gene, results from a C to G substitution at nucleotide position 2929. The leucine at codon 977 is replaced by valine, an amino acid with highly similar properties. This amino acid position is conserved. In addition, this alteration is predicted to be tolerated by in silico analysis. Since supporting evidence is limited at this time, the clinical significance of this alteration remains unclear.